The following is an entry in ClinVar:

NM_032271.3(TRAF7):c.1417A>G (p.Asn473Asp)

Gene: TRAF7 (TNF receptor associated factor 7; plus strand). Cytogenetic location: 16p13.3.
Variant type: single nucleotide variant.
Coding change: c.1417A>G on transcript NM_032271.3 (MANE Select); coding-DNA position 1417, A replaced by G.
Protein change: p.Asn473Asp; replaces asparagine 473 with aspartic acid.
Molecular consequence: missense variant.
Genome position (GRCh38, 1-based): chr16:2,175,331, A>G. VCF-style: chr16-2175331-A-G. GRCh37 (hg19) VCF-style: chr16-2225332-A-G.
Other names: short protein forms N473D.
Identifiers: ClinVar variation 4536580 (VCV004536580.1).

ClinVar aggregate classification (germline): Uncertain significance (1 of 4 stars; one submission).

gnomAD v4.1: 1 of 1,613,490 alleles (0.000062%); highest among the groups gnomAD compares: South Asian, 0.0011%; no homozygotes.

Submission:

GeneDx
Classification: Uncertain significance. Last evaluated: 2025-06-05. Review status: criteria provided, single submitter. Criteria: GeneDx Variant Classification Process June 2021. Collection method: clinical testing. Allele origin: germline. Affected: yes.
Comment: Not observed at significant frequency in large population cohorts (gnomAD); In silico analysis suggests that this missense variant does not alter protein structure/function; Has not been previously published as pathogenic or benign to our knowledge